The following is an entry in ClinVar:

ClinVar aggregate classification (germline): Pathogenic (1 of 4 stars; one submission).

Conditions:
Aortic aneurysm, familial thoracic 7 (AAT7). Also called: AORTIC DISSECTION, FAMILIAL, WITH OR WITHOUT AORTIC ANEURYSM. Identifiers: MedGen C3151077, MONDO:0013418, OMIM 613780.

Submission:

Labcorp Genetics (formerly Invitae), Labcorp
Classification: Pathogenic for Aortic aneurysm, familial thoracic 7. Last evaluated: 2022-09-06. Review status: criteria provided, single submitter. Criteria: Invitae Variant Classification Sherloc (09022015). Collection method: clinical testing. Allele origin: germline.
Comment: This sequence change creates a premature translational stop signal (p.Ala1497Phefs*13) in the MYLK gene. This variant occurs within the aortic-specific isoform of MYLK. Loss-of-function variants in the aortic-specific isoform of MYLK are known to be pathogenic for thoracic aortic dissections (PMID: 21055718). This variant is not present in population databases (gnomAD no frequency). This premature translational stop signal has been observed in individual(s) with aortic dissection (Invitae). ClinVar contains an entry for this variant (Variation ID: 409685). For these reasons, this variant has been classified as Pathogenic.

Literature cited by the submitters: PubMed 21055718.

NM_053025.4(MYLK):c.4489_4493del (p.Ala1497fs)

Gene: MYLK (myosin light chain kinase; minus strand). Cytogenetic location: 3q21.1.
Variant type: Deletion.
Coding change: c.4489_4493del on transcript NM_053025.4 (MANE Select); coding-DNA positions 4489 to 4493, 5 bases deleted (GCATA; older notation c.4489_4493delGCATA).
Protein change: p.Ala1497fs; shifts the reading frame from alanine 1497.
Molecular consequence: frameshift variant.
Genome position (GRCh38, 1-based): chr3:123,647,350-123,647,354, TATGC deleted on the plus strand (GCATA on the coding strand, the reverse complement: MYLK is on the minus strand). VCF-style (leftmost placement, unchanged base first): chr3-123647349-ATATGC-A. GRCh37 (hg19) VCF-style: chr3-123366196-ATATGC-A.
Other names: c.3961_3965del, p.Ala1321fs (NM_001321309.2); c.4282_4286del, p.Ala1428fs (NM_053026.4, NM_053028.4); c.4489_4493del, p.Ala1497fs (NM_053027.4); short protein forms A1428fs, A1497fs, A1321fs.
Identifiers: ClinVar variation 409685 (VCV000409685.10), dbSNP rs1060502531, ClinGen allele CA16611214.
Genomic context (GRCh38, chr3:123,647,349, plus strand): 5'-GTGGTGGAGGCAGTTCATGATGCTAATCTCCTGCCGGATATTCTCTTTCTCTTTTGCTGA[ATATGC>A]CTTGAAGAACTTCCCTGCCCAGACTTTTCGAGTTTTCTTTTCTACAAGTCGAAAGACCTG-3'